The following is an entry in ClinVar:

ClinVar aggregate classification (germline): Uncertain significance (1 of 4 stars; one submission).

Conditions:
Catecholaminergic polymorphic ventricular tachycardia 1. Also called: VENTRICULAR TACHYCARDIA, CATECHOLAMINERGIC POLYMORPHIC, 1, WITH OR WITHOUT ATRIAL DYSFUNCTION AND/OR DILATED CARDIOMYOPATHY; RYR2-Related Catecholaminergic Polymorphic Ventricular Tachycardia; VENTRICULAR TACHYCARDIA, STRESS-INDUCED POLYMORPHIC 1. Identifiers: Orphanet 3286, MedGen C1631597, MONDO:0011484, OMIM 604772.

Allele frequency attached by ClinVar (database versions not stated): gnomAD exomes below 0.00001.
gnomAD v4.1: 1 of 1,605,604 alleles (0.000062%); highest among the groups gnomAD compares: Non-Finnish European, 0.000085%; no homozygotes.

Submission:

Labcorp Genetics (formerly Invitae), Labcorp
Classification: Uncertain significance for Catecholaminergic polymorphic ventricular tachycardia 1. Last evaluated: 2016-12-19. Review status: criteria provided, single submitter. Criteria: Invitae Variant Classification Sherloc (09022015). Collection method: clinical testing. Allele origin: germline.
Comment: Algorithms developed to predict the effect of missense changes on protein structure and function (SIFT, PolyPhen-2, Align-GVGD) all suggest that this variant is likely to be disruptive, but these predictions have not been confirmed by published functional studies. In summary, this variant is a novel missense change with uncertain impact on protein function. It has been classified as a Variant of Uncertain Significance. This variant is not present in population databases (ExAC no frequency) and has not been reported in the literature in individuals with a RYR2-related disease. This sequence change replaces glycine with serine at codon 3996 of the RYR2 protein (p.Gly3996Ser). The glycine residue is highly conserved and there is a small physicochemical difference between glycine and serine.

NM_001035.3(RYR2):c.11986G>A (p.Gly3996Ser)

Gene: RYR2 (ryanodine receptor 2; plus strand). Cytogenetic location: 1q43.
Variant type: single nucleotide variant.
Coding change: c.11986G>A on transcript NM_001035.3 (MANE Select); coding-DNA position 11986, G replaced by A.
Protein change: p.Gly3996Ser; replaces glycine 3996 with serine.
Molecular consequence: missense variant.
Genome position (GRCh38, 1-based): chr1:237,783,698, G>A. VCF-style: chr1-237783698-G-A. GRCh37 (hg19) VCF-style: chr1-237946998-G-A.
Other names: c.11986G>A, p.Gly3996Ser (LRG_402t1); short protein forms G3996S.
Identifiers: ClinVar variation 404223 (VCV000404223.10), dbSNP rs1060500160, ClinGen allele CA16610059.